The following is an entry in ClinVar:

ClinVar aggregate classification (germline): Likely benign (1 of 4 stars; one submission).

gnomAD v4.1: 14 of 1,612,572 alleles (0.00087%); highest among the groups gnomAD compares: African/African-American, 0.004%; no homozygotes.

Submission:

CeGaT Center for Human Genetics Tuebingen
Classification: Likely benign. Last evaluated: 2025-07-01. Review status: criteria provided, single submitter. Criteria: CeGaT Center For Human Genetics Tuebingen Variant Classification Criteria Version 2. Collection method: clinical testing. Allele origin: germline. Affected: yes. Observed: 1 variant allele.
Comment: TRIO: BP4, BP7

NM_007118.4(TRIO):c.2685C>T (p.Ala895=)

Gene: TRIO (trio Rho guanine nucleotide exchange factor; plus strand). Cytogenetic location: 5p15.2.
Variant type: single nucleotide variant.
Coding change: c.2685C>T on transcript NM_007118.4 (MANE Select); coding-DNA position 2685, C replaced by T.
Protein change: p.Ala895=; no amino-acid change (alanine 895 retained).
Molecular consequence: synonymous variant. On other transcripts: non-coding transcript variant (1).
Genome position (GRCh38, 1-based): chr5:14,364,747, C>T. VCF-style: chr5-14364747-C-T. GRCh37 (hg19) VCF-style: chr5-14364856-C-T.
Identifiers: ClinVar variation 4084421 (VCV004084421.8).